The following is an entry in ClinVar:

NM_001165963.4(SCN1A):c.5288_5289delinsCCCATCTG (p.Ile1763delinsThrHisLeu)

Genes: SCN1A (sodium voltage-gated channel alpha subunit 1; minus strand), LOC102724058 (uncharacterized LOC102724058; plus strand). Cytogenetic location: 2q24.3.
Variant type: Indel.
Coding change: c.5288_5289delinsCCCATCTG on transcript NM_001165963.4 (MANE Select); coding-DNA positions 5288 to 5289, TT replaced by CCCATCTG.
Protein change: p.Ile1763delinsThrHisLeu.
Molecular consequence: inframe indel. On other transcripts: non-coding transcript variant (1).
Genome position (GRCh38, 1-based): chr2:165,991,986-165,991,987, AA replaced by CAGATGGG on the plus strand (TT replaced by CCCATCTG on the coding strand, the reverse complement: SCN1A is on the minus strand). VCF-style: chr2-165991986-AA-CAGATGGG. GRCh37 (hg19) VCF-style: chr2-166848496-AA-CAGATGGG.
Other names: c.5204_5205delinsCCCATCTG, p.Ile1735delinsThrHisLeu (NM_001165964.3, NM_001353957.2, NM_001353958.2); c.5288_5289delinsCCCATCTG, p.Ile1763delinsThrHisLeu (NM_001202435.3, NM_001353948.2); c.5255_5256delinsCCCATCTG, p.Ile1752delinsThrHisLeu (NM_001353949.2, NM_001353950.2, NM_001353951.2 and 2 more transcripts); c.5252_5253delinsCCCATCTG, p.Ile1751delinsThrHisLeu (NM_001353954.2, NM_001353955.2); c.5201_5202delinsCCCATCTG, p.Ile1734delinsThrHisLeu (NM_001353960.2); c.2846_2847delinsCCCATCTG, p.Ile949delinsThrHisLeu (NM_001353961.2).
Identifiers: ClinVar variation 663520 (VCV000663520.7), dbSNP rs1573948129, ClinGen allele CA915942867.

ClinVar aggregate classification (germline): Likely pathogenic (1 of 4 stars; one submission).

Conditions:
Early-infantile DEE. Also called: Early infantile epileptic encephalopathy; Ohtahara syndrome; Early infantile epileptic encephalopathy with suppression bursts. Identifiers: Orphanet 1934, MedGen C0393706, MONDO:0800491.

Submission:

Labcorp Genetics (formerly Invitae), Labcorp
Classification: Likely pathogenic for Early-infantile DEE. Last evaluated: 2019-03-04. Review status: criteria provided, single submitter. Criteria: Invitae Variant Classification Sherloc (09022015). Collection method: clinical testing. Allele origin: germline.
Comment: This variant is not present in population databases (ExAC no frequency). This variant, c.5288_5289delinsCCCATCTG, results in the deletion of 1 amino acid(s) and insertion of 3 of the SCN1A protein (p.Ile1763delinsThrHisLeu), but otherwise preserves the integrity of the reading frame. Experimental studies and prediction algorithms are not available for this variant, and the functional significance of the affected amino acid(s) is currently unknown. In summary, the currently available evidence indicates that the variant is pathogenic, but additional data are needed to prove that conclusively. Therefore, this variant has been classified as Likely Pathogenic.